The following is an entry in ClinVar:

NM_000368.5(TSC1):c.2626-6_2626-4del

Gene: TSC1 (TSC complex subunit 1; minus strand). Cytogenetic location: 9q34.13.
Variant type: Deletion.
Coding change: c.2626-6_2626-4del on transcript NM_000368.5 (MANE Select); 6 bases into the intron before coding-DNA position 2626 through 4 bases into the intron before coding-DNA position 2626, 3 bases deleted (TTT; older notation c.2626-6_2626-4delTTT).
Molecular consequence: intron variant.
Genome position (GRCh38, 1-based): chr9:132,897,614-132,897,616, AAA deleted on the plus strand (TTT on the coding strand, the reverse complement: TSC1 is on the minus strand); deleting any 3 consecutive bases within chr9:132,897,614-132,897,631 gives the same sequence; the c. name uses the placement nearest the transcript's 3' end. VCF-style (leftmost placement, unchanged base first): chr9-132897613-GAAA-G. GRCh37 (hg19) VCF-style: chr9-135773000-GAAA-G.
Other names: c.2626-6_2626-4delTTT (NM_000368.4); c.2263-6_2263-4del (NM_001362177.2); c.2473-6_2473-4del (NM_001162427.2); c.2623-6_2623-4del (NM_001162426.2).
Identifiers: ClinVar variation 466092 (VCV000466092.9), dbSNP rs5901000, ClinGen allele CA033941.
Genomic context (GRCh38, chr9:132,897,613, plus strand): 5'-CATGGCTTCTGTTTTTTTCTAGCTCTTTCCGATAGGCGGCTTTCATCATTTCTACTTCCT[GAAA>G]AAAAAAAAAAAAAAAGACTGGAATTAGTACTTATAAAAAATAAACATGCTGTATCCATTT-3'

ClinVar aggregate classification (germline): Conflicting classifications of pathogenicity. Review status: criteria provided, conflicting classifications (1 of 4 stars). 6 submissions from 6 submitters: Uncertain significance (1); Benign (2); Likely benign (3). Last evaluated 2024-11-21.

Conditions:
Isolated focal cortical dysplasia type II (FCORD2). Also called: CORTICAL DYSPLASIA OF TAYLOR; Focal cortical dysplasia type II. Identifiers: Orphanet 268994, MedGen C1846385, MONDO:0011818, OMIM 607341, HP:0032051.
Lymphangiomyomatosis (LAM). Also called: Lymphangioleiomyomatosis, somatic; Lymphangioleiomyomatosis. Identifiers: Orphanet 538, MedGen C0751674, MONDO:0011705, OMIM 606690.
Tuberous sclerosis 1 (TSC1). Identifiers: Orphanet 805, MedGen C1854465, MONDO:0008612, OMIM 191100.
Hereditary cancer-predisposing syndrome. Also called: Hereditary neoplastic syndrome; Neoplastic Syndromes, Hereditary; Hereditary Cancer Syndrome; Tumor predisposition. Identifiers: Orphanet 140162, MedGen C0027672, MeSH D009386, MONDO:0015356.
Tuberous sclerosis syndrome (TSC). Also called: Tuberous Sclerosis Complex; Tuberous sclerosis. Identifiers: Orphanet 805, MedGen C0041341, MONDO:0001734.

Submissions (6):

Blueprint Genetics
Classification: Likely benign. Last evaluated: 2024-11-21. Review status: criteria provided, single submitter. Criteria: ACMG Guidelines, 2015. Collection method: clinical testing. Allele origin: germline.

Department of Pathology and Laboratory Medicine, Sinai Health System
Classification: Likely benign for Tuberous sclerosis 1; Lymphangiomyomatosis; Isolated focal cortical dysplasia type II. Last evaluated: 2024-10-23. Review status: criteria provided, single submitter. Criteria: ACMG Guidelines, 2015. Collection method: clinical testing. Allele origin: germline.

All of Us Research Program, National Institutes of Health
Classification: Uncertain significance for Tuberous sclerosis syndrome. Last evaluated: 2023-10-02. Review status: criteria provided, single submitter. Criteria: ACMG Guidelines, 2015. Collection method: clinical testing. Allele origin: germline. Inheritance: Autosomal dominant inheritance. Observed: 2 variant alleles, 2 heterozygotes.
Comment: This variant causes a deletion of four nucleotides at the -4 position in intron 20 of the TSC1 gene. To our knowledge, functional studies have not been reported for this variant. This variant has not been reported in individuals affected with TSC1-related disorders in the literature. This variant has not been identified in the general population by the Genome Aggregation Database (gnomAD). The available evidence is insufficient to determine the role of this variant in disease conclusively. Therefore, this variant is classified as a Variant of Uncertain Significance.

This study involves interpretation of variants in research participants for the purpose of population health screening. Participant phenotype was not available at the time of variant classification. Additional details can be found in publication PMID: 35346344, PMCID: PMC8962531

Fulgent Genetics
Classification: Likely benign for Tuberous sclerosis 1; Lymphangiomyomatosis; Isolated focal cortical dysplasia type II. Last evaluated: 2021-10-27. Review status: criteria provided, single submitter. Criteria: ACMG Guidelines, 2015. Collection method: clinical testing. Allele origin: unknown.

Sema4
Classification: Benign for Hereditary cancer-predisposing syndrome. Last evaluated: 2021-05-20. Review status: criteria provided, single submitter. Criteria: Sema4 Curation Guidelines. Collection method: curation. Allele origin: germline.

Labcorp Genetics (formerly Invitae), Labcorp
Classification: Benign. Last evaluated: 2017-08-04. Review status: criteria provided, single submitter. Criteria: Invitae Variant Classification Sherloc (09022015). Collection method: clinical testing. Allele origin: germline.